The following is an entry in ClinVar:

ClinVar aggregate classification (germline): Uncertain significance. Review status: criteria provided, multiple submitters, no conflicts (2 of 4 stars). 4 submissions from 4 submitters: Uncertain significance (4). Last evaluated 2024-12-20.

Conditions:
Cardiovascular phenotype. Identifiers: MedGen CN230736.
Arrhythmogenic right ventricular cardiomyopathy (ARVD). Also called: Cardiomyopathy, ARVC; Arrhythmogenic right ventricular dysplasia; Arrhythmogenic cardiomyopathy; Arrhythmogenic Right Ventricular Cardiomyopathy (ARVC). Identifiers: Orphanet 247, MedGen C0349788, MeSH D019571, MONDO:0016587. Disease mechanism: loss of function. Inheritance: Various modes of inheritance.
Cardiomyopathy (CMYO). Also called: Cardiomyopathies. Identifiers: Orphanet 167848, MedGen C0878544, MONDO:0004994, HP:0001638. Inheritance: Various modes of inheritance.
Arrhythmogenic right ventricular dysplasia 9 (ARVD9). Also called: Arrhythmogenic Right Ventricular Dysplasia/Cardiomyopathy 9; ARRHYTHMOGENIC RIGHT VENTRICULAR DYSPLASIA, FAMILIAL, 9. Identifiers: MedGen C1836906, MONDO:0012180, OMIM 609040.

Allele frequency attached by ClinVar (database versions not stated): gnomAD exomes below 0.00001 and 0.00001; TOPMed below 0.00001; gnomAD 0.00001; ExAC 0.00002.
gnomAD v4.1: 3 of 1,614,014 alleles (0.00019%); highest among the groups gnomAD compares: Non-Finnish European, 0.00025%; no homozygotes.

Submissions (4):

Labcorp Genetics (formerly Invitae), Labcorp
Classification: Uncertain significance for Arrhythmogenic right ventricular dysplasia 9. Last evaluated: 2024-12-20. Review status: criteria provided, single submitter. Criteria: Invitae Variant Classification Sherloc (09022015). Collection method: clinical testing. Allele origin: germline.
Comment: This sequence change replaces tyrosine, which is neutral and polar, with cysteine, which is neutral and slightly polar, at codon 697 of the PKP2 protein (p.Tyr697Cys). This variant is present in population databases (rs778600610, gnomAD 0.002%). This variant has not been reported in the literature in individuals affected with PKP2-related conditions. ClinVar contains an entry for this variant (Variation ID: 1171206). An algorithm developed to predict the effect of missense changes on protein structure and function (PolyPhen-2) suggests that this variant is likely to be disruptive. In summary, the available evidence is currently insufficient to determine the role of this variant in disease. Therefore, it has been classified as a Variant of Uncertain Significance.

All of Us Research Program, National Institutes of Health
Classification: Uncertain significance for Arrhythmogenic right ventricular cardiomyopathy. Last evaluated: 2024-09-23. Review status: criteria provided, single submitter. Criteria: ACMG Guidelines, 2015. Collection method: clinical testing. Allele origin: germline. Inheritance: Autosomal dominant inheritance. Observed: 1 variant allele, 1 heterozygote.
Comment: This missense variant replaces tyrosine with cysteine at codon 697 of the PKP2 protein. Computational prediction suggests that this variant may not impact protein structure and function (internally defined REVEL score threshold <= 0.5, PMID: 27666373). To our knowledge, functional studies have not been reported for this variant. This variant has not been reported in individuals affected with cardiovascular disorders in the literature. This variant has been identified in 2/251424 chromosomes in the general population by the Genome Aggregation Database (gnomAD). The available evidence is insufficient to determine the role of this variant in disease conclusively. Therefore, this variant is classified as a Variant of Uncertain Significance.

This study involves interpretation of variants in research participants for the purpose of population health screening. Participant phenotype was not available at the time of variant classification. Additional details can be found in publication PMID: 35346344, PMCID: PMC8962531

Color Diagnostics, LLC DBA Color Health
Classification: Uncertain significance for Cardiomyopathy. Last evaluated: 2024-03-06. Review status: criteria provided, single submitter. Criteria: ACMG Guidelines, 2015. Collection method: clinical testing. Allele origin: germline.
Comment: This missense variant replaces tyrosine with cysteine at codon 697 of the PKP2 protein. Computational prediction suggests that this variant may not impact protein structure and function (internally defined REVEL score threshold <= 0.5, PMID: 27666373). To our knowledge, functional studies have not been reported for this variant. This variant has not been reported in individuals affected with cardiovascular disorders in the literature. This variant has been identified in 2/251424 chromosomes in the general population by the Genome Aggregation Database (gnomAD). The available evidence is insufficient to determine the role of this variant in disease conclusively. Therefore, this variant is classified as a Variant of Uncertain Significance.

Ambry Genetics
Classification: Uncertain significance for Cardiovascular phenotype. Last evaluated: 2022-03-07. Review status: criteria provided, single submitter. Criteria: Ambry Variant Classification Scheme 2023. Collection method: clinical testing. Allele origin: germline.
Comment: The p.Y697C variant (also known as c.2090A>G), located in coding exon 10 of the PKP2 gene, results from an A to G substitution at nucleotide position 2090. The tyrosine at codon 697 is replaced by cysteine, an amino acid with highly dissimilar properties. This amino acid position is not well conserved in available vertebrate species. In addition, this alteration is predicted to be tolerated by in silico analysis. Since supporting evidence is limited at this time, the clinical significance of this alteration remains unclear.

NM_001005242.3(PKP2):c.1958A>G (p.Tyr653Cys)

Gene: PKP2 (plakophilin 2; minus strand). Cytogenetic location: 12p11.21.
Variant type: single nucleotide variant.
Coding change: c.1958A>G on transcript NM_001005242.3 (MANE Select); coding-DNA position 1958, A replaced by G.
Protein change: p.Tyr653Cys; replaces tyrosine 653 with cysteine.
Molecular consequence: missense variant.
Genome position (GRCh38, 1-based): chr12:32,821,411, T>C on the plus strand (A>G on the coding strand, the complement: PKP2 is on the minus strand). VCF-style: chr12-32821411-T-C. GRCh37 (hg19) VCF-style: chr12-32974345-T-C.
Other names: c.2090A>G, p.Tyr697Cys (NM_004572.4); short protein forms Y653C, Y697C.
Identifiers: ClinVar variation 1171206 (VCV001171206.8), dbSNP rs778600610, ClinGen allele CA032708.
Genomic context (GRCh38, chr12:32,821,411, plus strand): 5'-CTCACTGGTCCACTTCCGGCCGTGAGGTTCTGCAGAGCTCCTAAGGATGCTTCTTGTGTG[T>C]AGTTGCGGACACTTTTGGCGATCAAGGACAGATACATCCTTATAACAATGGAATGCCACA-3'
Protein context (NP_001005242.2, residues 643-663): LSLIAKSVRN[Tyr653Cys]TQEASLGALQ